The following is an entry in ClinVar:

ClinVar aggregate classification (germline): Pathogenic/Likely pathogenic. Review status: criteria provided, multiple submitters, no conflicts (2 of 4 stars). 8 submissions from 8 submitters: Pathogenic (4); Likely pathogenic (4). Last evaluated 2025-01-30.

Conditions:
Inborn genetic diseases. Identifiers: MedGen C0950123, MeSH D030342.
Spongy degeneration of central nervous system. Also called: ACY2 DEFICIENCY; AMINOACYLASE 2 DEFICIENCY; ASP DEFICIENCY; ASPA DEFICIENCY; ASPARTOACYLASE DEFICIENCY; CANAVAN-VAN BOGAERT-BERTRAND DISEASE. Identifiers: Orphanet 141, MedGen C0206307, MONDO:0010079, OMIM 271900.

Allele frequency attached by ClinVar (database versions not stated): gnomAD 0.00001; gnomAD exomes below 0.00001; TOPMed below 0.00001.
gnomAD v4.1: 4 of 1,613,858 alleles (0.00025%); highest among the groups gnomAD compares: African/African-American, 0.0013%; no homozygotes.

Submissions (8):

Natera, Inc.
Classification: Likely pathogenic for Canavan Disease. Last evaluated: 2025-01-30. Review status: criteria provided, single submitter. Criteria: Natera Variant Classification Schema (03/2026). Collection method: clinical testing. Allele origin: germline.
Comment: The c.502C>T variant in ASPA is a missense variant predicted to cause substitution of arginine to cysteine at amino acid 168. This variant is rare in the general population with a frequency below the threshold expected for the associated phenotype(s). This variant has been observed in one or more individuals affected with the associated recessive disease, as either homozygous or compound heterozygous with a second variant (PMID: 16802711, 8659549). Functional studies show that this variant may disrupt protein function (PMID: 8659549). A different variant at the same position has been determined to be Pathogenic or Likely Pathogenic. Computational prediction algorithms indicate this variant is likely to affect gene or protein function. Given the available evidence, this variant is classified as Likely Pathogenic.

Fulgent Genetics
Classification: Likely pathogenic for Spongy degeneration of central nervous system. Last evaluated: 2024-05-20. Review status: criteria provided, single submitter. Criteria: ACMG Guidelines, 2015. Collection method: clinical testing. Allele origin: germline.

Labcorp Genetics (formerly Invitae), Labcorp
Classification: Pathogenic for Spongy degeneration of central nervous system. Last evaluated: 2024-05-09. Review status: criteria provided, single submitter. Criteria: Invitae Variant Classification Sherloc (09022015). Collection method: clinical testing. Allele origin: germline.
Comment: This sequence change replaces arginine, which is basic and polar, with cysteine, which is neutral and slightly polar, at codon 168 of the ASPA protein (p.Arg168Cys). This variant is present in population databases (no rsID available, gnomAD 0.004%). This missense change has been observed in individuals with Canavan disease (PMID: 8659549, 16854607; Invitae). ClinVar contains an entry for this variant (Variation ID: 813438). Advanced modeling of protein sequence and biophysical properties (such as structural, functional, and spatial information, amino acid conservation, physicochemical variation, residue mobility, and thermodynamic stability) has been performed at Invitae for this missense variant, however the output from this modeling did not meet the statistical confidence thresholds required to predict the impact of this variant on ASPA protein function. Experimental studies have shown that this missense change affects ASPA function (PMID: 8659549). This variant disrupts the p.Arg168 amino acid residue in ASPA. Other variant(s) that disrupt this residue have been determined to be pathogenic (PMID: 10909858, 28101991). This suggests that this residue is clinically significant, and that variants that disrupt this residue are likely to be disease-causing. For these reasons, this variant has been classified as Pathogenic.

Ambry Genetics
Classification: Likely pathogenic for Inborn genetic diseases. Last evaluated: 2021-12-08. Review status: criteria provided, single submitter. Criteria: Ambry Variant Classification Scheme 2023. Collection method: clinical testing. Allele origin: germline.
Comment: The c.502C>T (p.R168C) alteration is located in exon 3 (coding exon 3) of the ASPA gene. This alteration results from a C to T substitution at nucleotide position 502, causing the arginine (R) at amino acid position 168 to be replaced by a cysteine (C). This allele was reported in one heterozygous individual in population-based cohorts in the Genome Aggregation Database (gnomAD). This alteration has been reported in the homozygous and compound heterozygous states in patients with Canavan disease (Kaul, 1996; Zeng, 2006; Zaki, 2017). This amino acid position is highly conserved in available vertebrate species. Based on internal structural analysis, this alteration is located at a position and in a region critical for protein function (Wijayasinghe, 2014). This alteration is predicted to be deleterious by in silico analysis. Based on the available evidence, this alteration is classified as likely pathogenic.

Myriad Genetics, Inc.
Classification: Likely pathogenic for Spongy degeneration of central nervous system. Last evaluated: 2021-11-11. Review status: criteria provided, single submitter. Criteria: Myriad Women's Health Autosomal Recessive and X-Linked Classification Criteria (2021). Collection method: clinical testing. Allele origin: unknown.
Comment: NM_000049.2(ASPA):c.502C>T(R168C) is a missense variant classified as likely pathogenic in the context of Canavan disease. R168C has been observed in cases with relevant disease (PMID: 27531131, 16854607, 8659549, 28101991). Functional assessments of this variant are available in the literature (PMID: 8659549). Internal structural analysis of the variant is supportive of pathogenicity. R168C has been observed in population frequency databases (gnomAD: FIN 0.005%). In summary, NM_000049.2(ASPA):c.502C>T(R168C) is a missense variant that has both functional and internal structural support for pathogenicity and has been observed more frequently in cases with the relevant disease than in healthy populations. Please note: this variant was assessed in the context of healthy population screening.

Genome-Nilou Lab
Classification: Pathogenic for Spongy degeneration of central nervous system. Last evaluated: 2021-11-07. Review status: criteria provided, single submitter. Criteria: ACMG Guidelines, 2015. Collection method: clinical testing. Allele origin: germline. Affected: no.

CeGaT Center for Human Genetics Tuebingen
Classification: Pathogenic. Last evaluated: 2019-11-01. Review status: criteria provided, single submitter. Criteria: CeGaT Center For Human Genetics Tuebingen Variant Classification Criteria Version 2. Collection method: clinical testing. Allele origin: germline. Affected: yes. Observed: 1 variant allele.

Baylor Genetics
Classification: Pathogenic for Spongy degeneration of central nervous system. Review status: criteria provided, single submitter. Criteria: ACMG Guidelines, 2015. Collection method: clinical testing. Allele origin: germline.

Literature cited by the submitters: PubMed 16802711 (cited by Natera, Inc.); PubMed 8659549 (cited by 4 submitters); PubMed 16854607 (cited by 3 submitters); PubMed 10909858 (cited by Labcorp Genetics (formerly Invitae), Labcorp); PubMed 28101991 (cited by Labcorp Genetics (formerly Invitae), Labcorp and Myriad Genetics, Inc.); PubMed 25003821 (cited by Ambry Genetics); PubMed 27531131 (cited by Ambry Genetics and Myriad Genetics, Inc.).

NM_000049.4(ASPA):c.502C>T (p.Arg168Cys)

Genes: ASPA (aspartoacylase; plus strand), SPATA22 (spermatogenesis associated 22; minus strand). Cytogenetic location: 17p13.2.
Variant type: single nucleotide variant.
Coding change: c.502C>T on transcript NM_000049.4 (MANE Select); coding-DNA position 502, C replaced by T.
Protein change: p.Arg168Cys; replaces arginine 168 with cysteine.
Molecular consequence: missense variant. On other transcripts: intron variant (2).
Genome position (GRCh38, 1-based): chr17:3,483,568, C>T. VCF-style: chr17-3483568-C-T. GRCh37 (hg19) VCF-style: chr17-3386862-C-T.
Other names: c.502C>T, p.Arg168Cys (NM_001128085.1); c.-73-14170G>A (NM_001321336.2, NM_001321337.2); c.502C>T (NM_000049.2); short protein forms R168C.
Identifiers: ClinVar variation 813438 (VCV000813438.53), dbSNP rs937670540, ClinGen allele CA287013059.